The following is an entry in ClinVar:

ClinVar aggregate classification (germline): Pathogenic. Review status: criteria provided, single submitter (1 of 4 stars). 2 submissions from 2 submitters: Pathogenic (1). 1 of the submissions does not count toward it. Last evaluated 2024-08-08.

Conditions:
Acrocallosal syndrome (ACLS). Also called: Schinzel syndrome 1; Absence of corpus callosum with unusual facial appearance, mental deficiency, duplication of the halluces and polydactyly; HALLUX DUPLICATION, POSTAXIAL POLYDACTYLY, AND ABSENCE OF CORPUS CALLOSUM. Identifiers: Orphanet 36, MedGen C0796147, MONDO:0008708, OMIM 200990.

Allele frequency attached by ClinVar (database versions not stated): gnomAD exomes below 0.00001 and 0.00001.

Submissions (2):

Labcorp Genetics (formerly Invitae), Labcorp
Classification: Pathogenic for Acrocallosal syndrome. Last evaluated: 2024-08-08. Review status: criteria provided, single submitter. Criteria: Invitae Variant Classification Sherloc (09022015). Collection method: clinical testing. Allele origin: germline.
Comment: This sequence change creates a premature translational stop signal (p.Arg154*) in the KIF7 gene. It is expected to result in an absent or disrupted protein product. Loss-of-function variants in KIF7 are known to be pathogenic (PMID: 19666503, 21552264, 21633164, 26648833). The frequency data for this variant in the population databases is considered unreliable, as metrics indicate poor data quality at this position in the gnomAD database. This premature translational stop signal has been observed in individual(s) with clinical features of KIF7-related conditions (PMID: 21552264). ClinVar contains an entry for this variant (Variation ID: 30896). For these reasons, this variant has been classified as Pathogenic.

OMIM
Classification: Pathogenic for ACROCALLOSAL SYNDROME. Last evaluated: 2011-06-01. Review status: no assertion criteria provided. Collection method: literature only. Allele origin: germline. Not counted in ClinVar's aggregate classification.

Literature cited by the submitters: PubMed 19666503 (cited by Labcorp Genetics (formerly Invitae), Labcorp); PubMed 21552264 (cited by Labcorp Genetics (formerly Invitae), Labcorp and OMIM); PubMed 21633164 (cited by Labcorp Genetics (formerly Invitae), Labcorp); PubMed 26648833 (cited by Labcorp Genetics (formerly Invitae), Labcorp).

NM_198525.3(KIF7):c.460C>T (p.Arg154Ter)

Gene: KIF7 (kinesin family member 7; minus strand). Cytogenetic location: 15q26.1.
Variant type: single nucleotide variant.
Coding change: c.460C>T on transcript NM_198525.3 (MANE Select); coding-DNA position 460, C replaced by T.
Protein change: p.Arg154Ter; replaces arginine 154 with a stop codon.
Molecular consequence: nonsense.
Genome position (GRCh38, 1-based): chr15:89,649,810, G>A on the plus strand (C>T on the coding strand, the complement: KIF7 is on the minus strand). VCF-style: chr15-89649810-G-A. GRCh37 (hg19) VCF-style: chr15-90193041-G-A.
Other names: short protein forms R154*.
Identifiers: ClinVar variation 30896 (VCV000030896.3), dbSNP rs387907044, ClinGen allele CA020407.